The following is an entry in ClinVar:

ClinVar aggregate classification (germline): Pathogenic (1 of 4 stars; one submission).

Conditions:
Charcot-Marie-Tooth disease, type IA (CMT1A). Also called: CHARCOT-MARIE-TOOTH DISEASE, DEMYELINATING, TYPE 1A; CHARCOT-MARIE-TOOTH DISEASE, AUTOSOMAL DOMINANT, WITH FOCALLY FOLDED MYELIN SHEATHS, TYPE 1A; CHARCOT-MARIE-TOOTH NEUROPATHY, TYPE 1A; HEREDITARY MOTOR AND SENSORY NEUROPATHY IA; Charcot-Marie-Tooth disease type 1A; CMT 1A. Identifiers: Orphanet 101081, MedGen C0270911, MONDO:0007309, OMIM 118220.

Submission:

Mendelics
Classification: Pathogenic for Charcot-Marie-Tooth disease, type IA. Last evaluated: 2026-03-28. Review status: criteria provided, single submitter. Criteria: ACMG Guidelines, 2015. Collection method: clinical testing. Allele origin: unknown.
Comment: Duplication of gene PMP22.

Single allele

Genes: CDRT15 (CMT1A duplicated region transcript 15; minus strand), CDRT3 (CMT1A duplicated region transcript 3; minus strand), CDRT4 (CMT1A duplicated region transcript 4; minus strand), CDRT7 (CMT1A duplicated region transcript 7; plus strand), CDRT8 (CMT1A duplicated region transcript 8; minus strand) and 22 more. Cytogenetic location: 17p12.
Variant type: Duplication.
Identifiers: ClinVar variation 4820236 (VCV004820236.1).